The following is an entry in ClinVar:

ClinVar aggregate classification (germline): Benign/Likely benign. Review status: criteria provided, multiple submitters, no conflicts (2 of 4 stars). 3 submissions from 3 submitters: Benign (1); Likely benign (2). Last evaluated 2026-07-02.

Conditions:
Sessile serrated polyposis cancer syndrome (SSPCS). Identifiers: Orphanet 157798, MedGen C4310714, MONDO:0014919, OMIM 617108.

Allele frequency attached by ClinVar (database versions not stated): TOPMed below 0.00001.

Submissions (3):

Myriad Genetics, Inc.
Classification: Benign for Sessile serrated polyposis cancer syndrome. Last evaluated: 2026-07-02. Review status: criteria provided, single submitter. Criteria: Myriad Autosomal Dominant, Autosomal Recessive and X-Linked Classification Criteria (2023). Collection method: clinical testing. Allele origin: unknown.
Comment: This variant is considered benign. This variant is a silent/synonymous amino acid change and it is not expected to impact splicing.

Ambry Genetics
Classification: Likely benign. Last evaluated: 2026-06-24. Review status: criteria provided, single submitter. Criteria: Ambry Variant Classification Scheme 2023. Collection method: clinical testing. Allele origin: germline.

Labcorp Genetics (formerly Invitae), Labcorp
Classification: Likely benign. Last evaluated: 2023-10-03. Review status: criteria provided, single submitter. Criteria: Invitae Variant Classification Sherloc (09022015). Collection method: clinical testing. Allele origin: germline.

NM_017763.6(RNF43):c.2184C>T (p.Cys728=)

Gene: RNF43 (ring finger protein 43; minus strand). Cytogenetic location: 17q22.
Variant type: single nucleotide variant.
Coding change: c.2184C>T on transcript NM_017763.6 (MANE Select); coding-DNA position 2184, C replaced by T.
Protein change: p.Cys728=; no amino-acid change (cysteine 728 retained).
Molecular consequence: synonymous variant.
Genome position (GRCh38, 1-based): chr17:58,357,592, G>A on the plus strand (C>T on the coding strand, the complement: RNF43 is on the minus strand). VCF-style: chr17-58357592-G-A. GRCh37 (hg19) VCF-style: chr17-56434953-G-A.
Other names: c.2184C>T, p.Cys728= (NM_001305544.3); c.1803C>T, p.Cys601= (NM_001305545.2); c.2184C>T (NM_017763.4).
Identifiers: ClinVar variation 3015313 (VCV003015313.5), dbSNP rs773107390, ClinGen allele CA292030423.
Genomic context (GRCh38, chr17:58,357,592, plus strand): 5'-ACTCCATTCAGAAGGCCCCTCCCCAGGTGGATGTGGTTCCAGGGGCTGGCGAGGAGTCAG[G>A]CACAACCACACTGGCTGTGAATTTGAGTAACAGGGGCCTGGGGTTTCTGGTAGCAGCCTC-3'
Protein context (NP_060233.3, residues 718-738): CYSNSQPVWL[Cys728=]LTPRQPLEPH